The following is an entry in ClinVar:

NM_005006.7(NDUFS1):c.1564C>T (p.Gln522Ter)

Gene: NDUFS1 (NADH:ubiquinone oxidoreductase core subunit S1; minus strand). Cytogenetic location: 2q33.3.
Variant type: single nucleotide variant.
Coding change: c.1564C>T on transcript NM_005006.7 (MANE Select); coding-DNA position 1564, C replaced by T.
Protein change: p.Gln522Ter; replaces glutamine 522 with a stop codon.
Molecular consequence: nonsense.
Genome position (GRCh38, 1-based): chr2:206,130,232, G>A on the plus strand (C>T on the coding strand, the complement: NDUFS1 is on the minus strand). VCF-style: chr2-206130232-G-A. GRCh37 (hg19) VCF-style: chr2-206994956-G-A.
Other names: c.1456C>T, p.Gln486Ter (NM_001199981.2); c.1231C>T, p.Gln411Ter (NM_001199982.2); c.1393C>T, p.Gln465Ter (NM_001199983.2); c.1606C>T, p.Gln536Ter (NM_001199984.2); short protein forms Q465*, Q486*, Q411*, Q522*, Q536*.
Identifiers: ClinVar variation 2708405 (VCV002708405.3), dbSNP rs2470007807, ClinGen allele CA350046142.
Genomic context (GRCh38, chr2:206,130,232, plus strand): 5'-GAGGGTTCTTCCGAATTGCTTCCACCCCAGGCTTATAGCCAAGGTCCAAAGCAGCTACTT[G>A]ACTTGCAATCCTGCAAAGCAATTATGGAATTTTACCATAACTGCAGTATTTTCAATGTAA-3'

ClinVar aggregate classification (germline): Pathogenic (1 of 4 stars; one submission).

Submission:

Labcorp Genetics (formerly Invitae), Labcorp
Classification: Pathogenic. Last evaluated: 2024-05-07. Review status: criteria provided, single submitter. Criteria: Invitae Variant Classification Sherloc (09022015). Collection method: clinical testing. Allele origin: germline.
Comment: This sequence change creates a premature translational stop signal (p.Gln522*) in the NDUFS1 gene. It is expected to result in an absent or disrupted protein product. Loss-of-function variants in NDUFS1 are known to be pathogenic (PMID: 11349233, 22200994). This variant is not present in population databases (gnomAD no frequency). This variant has not been reported in the literature in individuals affected with NDUFS1-related conditions. For these reasons, this variant has been classified as Pathogenic.

Literature cited by the submitters: PubMed 11349233; PubMed 22200994.